The following is an entry in ClinVar:

ClinVar aggregate classification (germline): Pathogenic. Review status: criteria provided, multiple submitters, no conflicts (2 of 4 stars). 9 submissions from 9 submitters: Pathogenic (9). Last evaluated 2026-01-20.

Conditions:
SLC26A4-related disorder. Also called: SLC26A4-related disorders; SLC26A4-related condition.
Autosomal recessive nonsyndromic hearing loss 4 (DFNB4). Also called: FOXI1-Related Pendred Syndrome; KCNJ10-Related Pendred Syndrome; DEAFNESS, AUTOSOMAL RECESSIVE 4, WITH ENLARGED VESTIBULAR AQUEDUCT, DIGENIC; Nonsyndromic enlarged vestibular aqueduct (NSEVA); Deafness, autosomal recessive 4, with enlarged vestibular aqueduct; NEUROSENSORY NONSYNDROMIC RECESSIVE DEAFNESS 4. Identifiers: Orphanet 90636, MedGen C3538946, MONDO:0010933, OMIM 600791.
Pendred syndrome (PDS). Also called: Pendred's syndrome; GOITER-DEAFNESS SYNDROME; HYPOTHYROIDISM, CONGENITAL, DUE TO DYSHORMONOGENESIS, 2B; Pendred Syndrome (PDS); DEAFNESS WITH GOITER; THYROID DYSHORMONOGENESIS 2B. Identifiers: Orphanet 705, MedGen C0271829, MONDO:0010134, OMIM 274600.
Hearing loss, autosomal recessive. Also called: Rare autosomal recessive non-syndromic sensorineural deafness type DFNB; Autosomal recessive nonsyndromic deafness; Deafness, autosomal recessive; Nonsyndromic Hearing Loss, Recessive. Identifiers: Orphanet 90635, Orphanet 90636, MedGen C1846647, MONDO:0019588, OMIM 607197.

Allele frequency attached by ClinVar (database versions not stated): gnomAD exomes 0.00001; gnomAD 0.00005; TOPMed 0.00009.

Submissions (9):

Labcorp Genetics (formerly Invitae), Labcorp
Classification: Pathogenic. Last evaluated: 2026-01-20. Review status: criteria provided, single submitter. Criteria: Invitae Variant Classification Sherloc (09022015). Collection method: clinical testing. Allele origin: germline.
Comment: This sequence change creates a premature translational stop signal (p.Leu727Tyrfs*28) in the SLC26A4 gene. It is expected to result in an absent or disrupted protein product. Loss-of-function variants in SLC26A4 are known to be pathogenic (PMID: 16283880, 25394566, 26252218, 26445815). This variant is present in population databases (no rsID available, gnomAD 0.01%). This premature translational stop signal has been observed in individuals with Pendred syndrome, non-syndromic hearing loss, or hearing loss and dilatation of the vestibular aqueduct (PMID: 17125574, 23638949, 24224479, 25394566). This variant is also known as 2177-2178insCTAT. ClinVar contains an entry for this variant (Variation ID: 851431). For these reasons, this variant has been classified as Pathogenic.

PreventionGenetics, part of Exact Sciences
Classification: Pathogenic for SLC26A4-related condition. Last evaluated: 2025-07-24. Review status: criteria provided, single submitter. Criteria: ACMG Guidelines, 2015. Collection method: clinical testing. Allele origin: germline.
Comment: The SLC26A4 c.2174_2177dupCTAT variant is predicted to result in a frameshift and premature protein termination (p.Leu727Tyrfs*28). This variant has been reported in the homozygous state and presumed compound heterozygous state with a second SLC26A4 variant in multiple unrelated individuals with Pendred syndrome (PDS) or nonsyndromic hearing loss with enlarged vestibular aqueduct (NSEVA) (Courtmans et al. 2007. PubMed ID: 17125574; Yao et al. 2013. PubMed ID: 23638949; Ladsous et al. 2014. PubMed ID: 24224479; Soh et al. 2015. PubMed ID: 25394566; Tian et al. 2021. PubMed ID: 34170635). This variant is reported in 0.012% of alleles in individuals of African descent in gnomAD. Frameshift variants in SLC26A4 are expected to be pathogenic. This variant is interpreted as pathogenic.

Natera, Inc.
Classification: Pathogenic for Pendred syndrome. Last evaluated: 2025-03-13. Review status: criteria provided, single submitter. Criteria: Natera Variant Classification Schema (03/2026). Collection method: clinical testing. Allele origin: germline.
Comment: The c.2174_2177dupCTAT variant in SLC26A4 is a frameshift variant predicted to shift the reading frame beginning at codon 727 and leads to a stop codon 28 codons downstream. This variant is expected to result in nonsense mediated decay, truncation, or a dysfunctional protein product. This variant is rare in the general population with a frequency below the threshold expected for the associated phenotype(s). This variant has been observed in one or more individuals affected with the associated recessive disease, as either homozygous or compound heterozygous with a second variant (PMID: 25394566). Given the available evidence, this variant is classified as Pathogenic.

GeneDx
Classification: Pathogenic. Last evaluated: 2024-12-13. Review status: criteria provided, single submitter. Criteria: GeneDx Variant Classification Process June 2021. Collection method: clinical testing. Allele origin: germline. Affected: yes.
Comment: Frameshift variant predicted to result in protein truncation or nonsense mediated decay in a gene for which loss-of-function is a known mechanism of disease; Not observed at significant frequency in large population cohorts (gnomAD); This variant is associated with the following publications: (PMID: 25394566, 24224479, 36056583, 23638949, 34170635, 17125574)

Center for Statistical Genetics, Columbia University
Classification: Pathogenic for Hearing loss, autosomal recessive. Last evaluated: 2024-11-08. Review status: criteria provided, single submitter. Criteria: ACMG Guidelines, 2015. Collection method: research. Allele origin: germline. Inheritance: Autosomal recessive inheritance. Affected: yes. Observed: 2 homozygotes.

Victorian Clinical Genetics Services, Murdoch Childrens Research Institute
Classification: Pathogenic for Autosomal recessive nonsyndromic hearing loss 4. Last evaluated: 2024-10-09. Review status: criteria provided, single submitter. Criteria: ACMG Guidelines, 2015. Collection method: clinical testing. Allele origin: germline. Inheritance: Autosomal recessive inheritance. Affected: yes.
Comment: Based on the classification scheme VCGS_Germline_v1.3.4, this variant is classified as Pathogenic. Following criteria are met: 0102 - Loss of function is a known mechanism of disease in this gene and is associated with deafness, autosomal recessive 4, with enlarged vestibular aqueduct (#MIM600791) and Pendred syndrome (#MIM274600). (I) 0106 - This gene is associated with autosomal recessive disease. (I) 0115 - Variants in this gene are known to have variable expressivity (PMIDs: 20301640, 24599119). (I) 0201 - Variant is predicted to cause nonsense-mediated decay (NMD) and loss of protein (premature termination codon is located at least 54 nucleotides upstream of the final exon-exon junction). (SP) 0251 - This variant is heterozygous. (I) 0304 - Variant is present in gnomAD <0.01 for a recessive condition (v3: 7 heterozygotes, 0 homozygotes). (SP) 0701 - Other NMD-predicted variants comparable to the one identified in this case have very strong previous evidence for pathogenicity (DECIPHER). (SP) 0801 - This variant has strong previous evidence of pathogenicity in unrelated individuals. This variant has been classified as pathogenic by diagnostic laboratories in ClinVar and has been reported in individuals with hearing loss and enlarged vestibular aqueducts (PMIDs: 17125574, 23638949). (SP) 1208 - Inheritance information for this variant is not currently available in this individual. (I) Legend: (SP) - Supporting pathogenic, (I) - Information, (SB) - Supporting benign

Baylor Genetics
Classification: Pathogenic for Autosomal recessive nonsyndromic hearing loss 4. Last evaluated: 2024-03-30. Review status: criteria provided, single submitter. Criteria: ACMG Guidelines, 2015. Collection method: clinical testing. Allele origin: unknown.

Fulgent Genetics
Classification: Pathogenic for Pendred syndrome; Autosomal recessive nonsyndromic hearing loss 4. Last evaluated: 2024-03-13. Review status: criteria provided, single submitter. Criteria: ACMG Guidelines, 2015. Collection method: clinical testing. Allele origin: germline.

Women's Health and Genetics/Laboratory Corporation of America, LabCorp
Classification: Pathogenic for Pendred syndrome. Last evaluated: 2023-11-21. Review status: criteria provided, single submitter. Criteria: LabCorp Variant Classification Summary - May 2015. Collection method: clinical testing. Allele origin: germline.
Comment: Variant summary: SLC26A4 c.2174_2177dupCTAT (p.Leu727TyrfsX28) results in a premature termination codon, predicted to cause a truncation of the encoded protein or absence of the protein due to nonsense mediated decay, which are commonly known mechanisms for disease. Variants downstream of this position have been classified as pathogenic by our laboratory. The variant allele was found at a frequency of 8e-06 in 251280 control chromosomes. c.2174_2177dupCTAT has been reported in the literature in individuals affected with Pendred Syndrome (Ladsous_2014). These data do not allow any conclusion about variant significance. To our knowledge, no experimental evidence demonstrating an impact on protein function has been reported. The following publication have been ascertained in the context of this evaluation (PMID: 24224479). Two submitters have cited clinical-significance assessments for this variant to ClinVar after 2014. All submitters classified the variant as pathogenic/likely pathogenic. Based on the evidence outlined above, the variant was classified as likely pathogenic.

Literature cited by the submitters: PubMed 16283880 (cited by Labcorp Genetics (formerly Invitae), Labcorp); PubMed 25394566 (cited by Labcorp Genetics (formerly Invitae), Labcorp and Natera, Inc.); PubMed 26252218 (cited by Labcorp Genetics (formerly Invitae), Labcorp); PubMed 26445815 (cited by Labcorp Genetics (formerly Invitae), Labcorp); PubMed 17125574 (cited by Labcorp Genetics (formerly Invitae), Labcorp and Victorian Clinical Genetics Services, Murdoch Childrens Research Institute); PubMed 23638949 (cited by Labcorp Genetics (formerly Invitae), Labcorp and Victorian Clinical Genetics Services, Murdoch Childrens Research Institute); PubMed 24224479 (cited by Labcorp Genetics (formerly Invitae), Labcorp and Women's Health and Genetics/Laboratory Corporation of America, LabCorp); PubMed 20301640 (cited by Victorian Clinical Genetics Services, Murdoch Childrens Research Institute); PubMed 24599119 (cited by Victorian Clinical Genetics Services, Murdoch Childrens Research Institute).

NM_000441.2(SLC26A4):c.2174_2177dup (p.Leu727fs)

Genes: SLC26A4 (solute carrier family 26 member 4; plus strand), LOC123956210 (Sharpr-MPRA regulatory region 3291; plus strand). Cytogenetic location: 7q22.3.
Variant type: Duplication.
Coding change: c.2174_2177dup on transcript NM_000441.2 (MANE Select); coding-DNA positions 2174 to 2177, 4 bases duplicated (CTAT; older notation c.2174_2177dupCTAT).
Protein change: p.Leu727fs; shifts the reading frame from leucine 727.
Molecular consequence: frameshift variant.
Genome position (GRCh38, 1-based): chr7:107,710,138-107,710,141, CTAT duplicated. VCF-style (leftmost placement, unchanged base first): chr7-107710137-G-GCTAT. GRCh37 (hg19) VCF-style: chr7-107350582-G-GCTAT.
Other names: c.2174_2177dupCTAT (NM_000441.2, NM_000441.1); short protein forms L727fs.
Identifiers: ClinVar variation 851431 (VCV000851431.18), dbSNP rs1421964916, ClinGen allele CA577030685.
Genomic context (GRCh38, chr7:107,710,137, plus strand): 5'-CAATGCGGGTTCTTTGACGACAACATTAGAAAGGACACATTCTTTTTGACGGTCCATGAT[G>GCTAT]CTATACTCTATCTACAGAACCAAGTGAAATCTCAAGAGGGTCAAGGTTCCATTTTAGAAA-3'